The following is an entry in ClinVar:

NM_000548.5(TSC2):c.4883A>C (p.Lys1628Thr)

Gene: TSC2 (TSC complex subunit 2; plus strand). Cytogenetic location: 16p13.3.
Variant type: single nucleotide variant.
Coding change: c.4883A>C on transcript NM_000548.5 (MANE Select); coding-DNA position 4883, A replaced by C.
Protein change: p.Lys1628Thr; replaces lysine 1628 with threonine.
Molecular consequence: missense variant. On other transcripts: non-coding transcript variant (4).
Genome position (GRCh38, 1-based): chr16:2,086,765, A>C. VCF-style: chr16-2086765-A-C. GRCh37 (hg19) VCF-style: chr16-2136766-A-C.
Other names: c.4715A>C, p.Lys1572Thr (NM_001318832.2); c.4685A>C, p.Lys1562Thr (NM_001363528.2); c.4751A>C, p.Lys1584Thr (NM_001370404.1); c.4880A>C, p.Lys1627Thr (NM_001406663.1); c.4754A>C, p.Lys1585Thr (NM_001370405.1, NM_021055.3); c.4682A>C, p.Lys1561Thr (NM_001077183.3); c.4814A>C, p.Lys1605Thr (NM_001114382.3); c.4574A>C, p.Lys1525Thr (NM_001318827.2); and 26 more; short protein forms K1384T, K1404T, K1428T, K1513T, K1542T, K1561T, K1585T, K1592T.
Identifiers: ClinVar variation 2564705 (VCV002564705.2), dbSNP rs2544401116, ClinGen allele CA394308349.

ClinVar aggregate classification (germline): Uncertain significance (1 of 4 stars; one submission).

Conditions:
Hereditary cancer-predisposing syndrome. Also called: Neoplastic Syndromes, Hereditary; Hereditary Cancer Syndrome; Hereditary neoplastic syndrome; Tumor predisposition. Identifiers: Orphanet 140162, MedGen C0027672, MeSH D009386, MONDO:0015356.

Submission:

Ambry Genetics
Classification: Uncertain significance for Hereditary cancer-predisposing syndrome. Last evaluated: 2023-04-18. Review status: criteria provided, single submitter. Criteria: Ambry Variant Classification Scheme 2023. Collection method: clinical testing. Allele origin: germline.
Comment: The p.K1628T variant (also known as c.4883A>C), located in coding exon 37 of the TSC2 gene, results from an A to C substitution at nucleotide position 4883. The lysine at codon 1628 is replaced by threonine, an amino acid with similar properties. This amino acid position is conserved. In addition, this alteration is predicted to be deleterious by in silico analysis. Since supporting evidence is limited at this time, the clinical significance of this alteration remains unclear.